The following is an entry in ClinVar:

ClinVar aggregate classification (germline): Uncertain significance (0 of 4 stars; one submission).

Conditions:
PCSK1-related disorder. Also called: PCSK1-related condition.

gnomAD v4.1: 1 of 1,613,974 alleles (0.000062%); highest among the groups gnomAD compares: Non-Finnish European, 0.000085%; no homozygotes.

Submission:

PreventionGenetics, part of Exact Sciences
Classification: Uncertain significance for PCSK1-related condition. Last evaluated: 2024-09-12. Review status: no assertion criteria provided. Collection method: clinical testing. Allele origin: germline.
Comment: The PCSK1 c.785A>T variant is predicted to result in the amino acid substitution p.Asp262Val. To our knowledge, this variant has not been reported in the literature. This variant is reported in 0.0065% of alleles in individuals of European (Non-Finnish) descent in gnomAD. At this time, the clinical significance of this variant is uncertain due to the absence of conclusive functional and genetic evidence.

NM_000439.5(PCSK1):c.785A>T (p.Asp262Val)

Genes: CAST (calpastatin; plus strand), PCSK1 (proprotein convertase subtilisin/kexin type 1; minus strand), LOC101929710 (uncharacterized LOC101929710; plus strand). Cytogenetic location: 5q15.
Variant type: single nucleotide variant.
Coding change: c.785A>T on transcript NM_000439.5 (MANE Select); coding-DNA position 785, A replaced by T.
Protein change: p.Asp262Val; replaces aspartic acid 262 with valine.
Molecular consequence: missense variant. On other transcripts: intron variant (11).
Genome position (GRCh38, 1-based): chr5:96,412,415, T>A on the plus strand (A>T on the coding strand, the complement: PCSK1 is on the minus strand). VCF-style: chr5-96412415-T-A. GRCh37 (hg19) VCF-style: chr5-95748119-T-A.
Other names: c.644A>T, p.Asp215Val (NM_001177875.2); c.-175+32763T>A (NM_001423254.1, NM_001423259.1, NM_001423255.1 and 6 more transcripts); c.-103+32763T>A (NM_001423253.1); c.-40+32763T>A (NM_001423258.1); short protein forms D215V, D262V.
Identifiers: ClinVar variation 3345874 (VCV003345874.1).